The following is an entry in ClinVar:

ClinVar aggregate classification (germline): Likely benign (1 of 4 stars; one submission).

Allele frequency attached by ClinVar (database versions not stated): ESP Exome Variant Server 0.00008; 1000 Genomes Project 0.00040; 1000 Genomes Project 30x 0.00047.

Submission:

CeGaT Center for Human Genetics Tuebingen
Classification: Likely benign. Last evaluated: 2022-07-01. Review status: criteria provided, single submitter. Criteria: CeGaT Center For Human Genetics Tuebingen Variant Classification Criteria Version 2. Collection method: clinical testing. Allele origin: germline. Affected: yes. Observed: 1 variant allele.
Comment: NCOA1: BP4, BP7

NM_003743.5(NCOA1):c.852C>A (p.Gly284=)

Gene: NCOA1 (nuclear receptor coactivator 1; plus strand). Cytogenetic location: 2p23.3.
Variant type: single nucleotide variant.
Coding change: c.852C>A on transcript NM_003743.5 (MANE Select); coding-DNA position 852, C replaced by A.
Protein change: p.Gly284=; no amino-acid change (glycine 284 retained).
Molecular consequence: synonymous variant.
Genome position (GRCh38, 1-based): chr2:24,697,701, C>A. VCF-style: chr2-24697701-C-A. GRCh37 (hg19) VCF-style: chr2-24920570-C-A.
Other names: c.852C>A, p.Gly284= (NM_001362950.1, NM_001362952.1, NM_001362954.1 and 3 more transcripts).
Identifiers: ClinVar variation 2650719 (VCV002650719.24), dbSNP rs144072635, ClinGen allele CA1552110.
Genomic context (GRCh38, chr2:24,697,701, plus strand): 5'-TTTCATTCTTTGTACAGGTAAAATCATCTCTATTGATACTAGTTCCCTGAGAGCTGCTGG[C>A]AGAACTGGTTGGGAAGATTTAGTGAGGAAGTGCATTTATGCTTTTTTCCAACCTCAGGGC-3'
Protein context (NP_003734.3, residues 274-294): SIDTSSLRAA[Gly284=]RTGWEDLVRK